The following is an entry in ClinVar:

NM_000294.3(PHKG2):c.745C>T (p.Gln249Ter)

Gene: PHKG2 (phosphorylase kinase catalytic subunit gamma 2; plus strand). Cytogenetic location: 16p11.2.
Variant type: single nucleotide variant.
Coding change: c.745C>T on transcript NM_000294.3 (MANE Select); coding-DNA position 745, C replaced by T.
Protein change: p.Gln249Ter; replaces glutamine 249 with a stop codon.
Molecular consequence: nonsense.
Genome position (GRCh38, 1-based): chr16:30,756,464, C>T. VCF-style: chr16-30756464-C-T. GRCh37 (hg19) VCF-style: chr16-30767785-C-T.
Other names: c.745C>T, p.Gln249Ter (NM_001172432.2); short protein forms Q249*.
Identifiers: ClinVar variation 953651 (VCV000953651.7), dbSNP rs2053428286, ClinGen allele CA395658909.
Genomic context (GRCh38, chr16:30,756,464, plus strand): 5'-GGCTCGCCACCCTTCTGGCACCGGCGGCAGATCCTGATGTTACGCATGATCATGGAGGGC[C>T]AGTACCAGTTCAGTTCCCCCGAGTGGGATGACCGTTCCAGCACTGTCAAAGACCTGGTGA-3'

ClinVar aggregate classification (germline): Pathogenic (1 of 4 stars; one submission).

Conditions:
Glycogen storage disease IXc (GSD9C). Also called: GSD IXc. Identifiers: Orphanet 264580, MedGen C2751643, MONDO:0013091, OMIM 613027.

Allele frequency attached by ClinVar (database versions not stated): gnomAD exomes below 0.00001.

Submission:

Labcorp Genetics (formerly Invitae), Labcorp
Classification: Pathogenic for Glycogen storage disease IXc. Last evaluated: 2019-11-04. Review status: criteria provided, single submitter. Criteria: Invitae Variant Classification Sherloc (09022015). Collection method: clinical testing. Allele origin: germline.
Comment: This variant has not been reported in the literature in individuals with PHKG2-related conditions. This variant is not present in population databases (ExAC no frequency). This sequence change creates a premature translational stop signal (p.Gln249*) in the PHKG2 gene. It is expected to result in an absent or disrupted protein product. Loss-of-function variants in PHKG2 are known to be pathogenic (PMID: 8896567, 17689125, 21646031). For these reasons, this variant has been classified as Pathogenic.

Literature cited by the submitters: PubMed 8896567; PubMed 17689125; PubMed 21646031.